The following is an entry in ClinVar:

NM_024426.6(WT1):c.553T>C (p.Phe185Leu)

Genes: WT1 (WT1 transcription factor; minus strand), LOC107982234 (WT1/WT1-AS bi-directional promoter region; plus strand). Cytogenetic location: 11p13.
Variant type: single nucleotide variant.
Coding change: c.553T>C on transcript NM_024426.6 (MANE Select); coding-DNA position 553, T replaced by C.
Protein change: p.Phe185Leu; replaces phenylalanine 185 with leucine.
Molecular consequence: missense variant. On other transcripts: non-coding transcript variant (2).
Genome position (GRCh38, 1-based): chr11:32,434,808, A>G on the plus strand (T>C on the coding strand, the complement: WT1 is on the minus strand). VCF-style: chr11-32434808-A-G. GRCh37 (hg19) VCF-style: chr11-32456354-A-G.
Other names: c.553T>C, p.Phe185Leu (NM_001407048.1, NM_001407049.1, NM_001407050.1 and 6 more transcripts); c.334T>C, p.Phe112Leu (NM_001429031.1, NM_001429032.1, NM_001429033.1 and 1 more transcripts); short protein forms F112L, F180L, F185L.
Identifiers: ClinVar variation 3754972 (VCV003754972.2).

ClinVar aggregate classification (germline): Uncertain significance (1 of 4 stars; one submission).

Conditions:
Wilms tumor 1 (WT1). Also called: Wilms tumor, somatic. Identifiers: Orphanet 654, MedGen CN033288, MONDO:0008679, OMIM 194070.
Drash syndrome (DDS). Also called: NEPHROPATHY, WILMS TUMOR, AND GENITAL ANOMALIES; WILMS TUMOR AND PSEUDO- OR TRUE HERMAPHRODITISM. Identifiers: Orphanet 220, MedGen C0950121, MONDO:0008682, OMIM 194080.
11p partial monosomy syndrome (WAGR). Also called: CHROMOSOME 11p13 DELETION SYNDROME; WAGR Spectrum Disorder; WAGR syndrome; WAGR Complex. Identifiers: Orphanet 893, MedGen C0206115, MONDO:0008681, OMIM 194072.
Frasier syndrome. Identifiers: Orphanet 347, MedGen C0950122, MeSH D052159, MONDO:0007635, OMIM 136680.

Submission:

Labcorp Genetics (formerly Invitae), Labcorp
Classification: Uncertain significance for Wilms tumor 1; Drash syndrome; 11p partial monosomy syndrome; Frasier syndrome. Last evaluated: 2024-02-26. Review status: criteria provided, single submitter. Criteria: Invitae Variant Classification Sherloc (09022015). Collection method: clinical testing. Allele origin: germline.
Comment: This sequence change replaces phenylalanine, which is neutral and non-polar, with leucine, which is neutral and non-polar, at codon 180 of the WT1 protein (p.Phe180Leu). This variant is not present in population databases (gnomAD no frequency). This variant has not been reported in the literature in individuals affected with WT1-related conditions. Advanced modeling of protein sequence and biophysical properties (such as structural, functional, and spatial information, amino acid conservation, physicochemical variation, residue mobility, and thermodynamic stability) performed at Invitae indicates that this missense variant is expected to disrupt WT1 protein function with a positive predictive value of 80%. In summary, the available evidence is currently insufficient to determine the role of this variant in disease. Therefore, it has been classified as a Variant of Uncertain Significance.